The following is an entry in ClinVar:

NM_003072.5(SMARCA4):c.1927C>A (p.Leu643Ile)

Gene: SMARCA4 (SWI/SNF related BAF chromatin remodeling complex subunit ATPase 4; plus strand). Cytogenetic location: 19p13.2.
Variant type: single nucleotide variant.
Coding change: c.1927C>A on transcript NM_003072.5 (MANE Select); coding-DNA position 1927, C replaced by A.
Protein change: p.Leu643Ile; replaces leucine 643 with isoleucine.
Molecular consequence: missense variant. On other transcripts: non-coding transcript variant (1).
Genome position (GRCh38, 1-based): chr19:11,003,143, C>A. VCF-style: chr19-11003143-C-A. GRCh37 (hg19) VCF-style: chr19-11113819-C-A.
Other names: c.1927C>A, p.Leu643Ile (NM_001128844.3, NM_001128845.2, NM_001128846.2 and 6 more transcripts); short protein forms L643I.
Identifiers: ClinVar variation 4802558 (VCV004802558.1).

ClinVar aggregate classification (germline): Uncertain significance (1 of 4 stars; one submission).

Conditions:
Rhabdoid tumor predisposition syndrome 2 (RTPS2). Identifiers: Orphanet 231108, Orphanet 69077, MedGen C2750074, MONDO:0013224, OMIM 613325.

Submission:

Labcorp Genetics (formerly Invitae), Labcorp
Classification: Uncertain significance for Rhabdoid tumor predisposition syndrome 2. Last evaluated: 2025-12-14. Review status: criteria provided, single submitter. Criteria: Invitae Variant Classification Sherloc (09022015). Collection method: clinical testing. Allele origin: germline.
Comment: This sequence change replaces leucine, which is neutral and non-polar, with isoleucine, which is neutral and non-polar, at codon 643 of the SMARCA4 protein (p.Leu643Ile). This variant is not present in population databases (gnomAD no frequency). This variant has not been reported in the literature in individuals affected with SMARCA4-related conditions. Invitae Evidence Modeling of protein sequence and biophysical properties (such as structural, functional, and spatial information, amino acid conservation, physicochemical variation, residue mobility, and thermodynamic stability) indicates that this missense variant is expected to disrupt SMARCA4 protein function with a positive predictive value of 80%. In summary, the available evidence is currently insufficient to determine the role of this variant in disease. Therefore, it has been classified as a Variant of Uncertain Significance.